The following is an entry in ClinVar:

NM_015662.3(IFT172):c.4239T>G (p.Asp1413Glu)

Gene: IFT172 (intraflagellar transport 172; minus strand). Cytogenetic location: 2p23.3.
Variant type: single nucleotide variant.
Coding change: c.4239T>G on transcript NM_015662.3 (MANE Select); coding-DNA position 4239, T replaced by G.
Protein change: p.Asp1413Glu; replaces aspartic acid 1413 with glutamic acid.
Molecular consequence: missense variant.
Genome position (GRCh38, 1-based): chr2:27,449,366, A>C on the plus strand (T>G on the coding strand, the complement: IFT172 is on the minus strand). VCF-style: chr2-27449366-A-C. GRCh37 (hg19) VCF-style: chr2-27672233-A-C.
Other names: c.4239T>G (NM_015662.2); short protein forms D1413E.
Identifiers: ClinVar variation 1677350 (VCV001677350.5), dbSNP rs748345321, ClinGen allele CA1579670.

ClinVar aggregate classification (germline): Uncertain significance. Review status: criteria provided, multiple submitters, no conflicts (2 of 4 stars). 3 submissions from 3 submitters: Uncertain significance (3). Last evaluated 2026-08-03.

Conditions:
IFT172-related disorder. Also called: IFT172-related disorders; IFT172-related condition.
Retinitis pigmentosa 71 (RP71). Identifiers: Orphanet 791, MedGen C4225342, MONDO:0014618, OMIM 616394.
Short-rib thoracic dysplasia 10 with or without polydactyly (SRTD10). Identifiers: Orphanet 474, MedGen C3810175, MONDO:0014284, OMIM 615630.

Allele frequency attached by ClinVar (database versions not stated): gnomAD 0.00001; gnomAD exomes 0.00001; TOPMed 0.00001; ExAC 0.00002.
gnomAD v4.1: 6 of 1,614,032 alleles (0.00037%); highest among the groups gnomAD compares: Admixed American, 0.0083%; no homozygotes.

Submissions (3):

PreventionGenetics, part of Exact Sciences
Classification: Uncertain significance for IFT172-related condition. Last evaluated: 2026-08-03. Review status: criteria provided, single submitter. Criteria: ACMG Guidelines, 2015. Collection method: clinical testing. Allele origin: germline.
Comment: The IFT172 c.4239T>G variant is predicted to result in the amino acid substitution p.Asp1413Glu. To our knowledge, this variant has not been reported in the literature. This variant is reported in 0.0058% of alleles in individuals of Latino descent in gnomAD. At this time, the clinical significance of this variant is uncertain due to the absence of conclusive functional and genetic evidence.

Labcorp Genetics (formerly Invitae), Labcorp
Classification: Uncertain significance for Retinitis pigmentosa 71; Short-rib thoracic dysplasia 10 with or without polydactyly. Last evaluated: 2022-08-31. Review status: criteria provided, single submitter. Criteria: Invitae Variant Classification Sherloc (09022015). Collection method: clinical testing. Allele origin: germline.
Comment: This sequence change replaces aspartic acid, which is acidic and polar, with glutamic acid, which is acidic and polar, at codon 1413 of the IFT172 protein (p.Asp1413Glu). This variant is present in population databases (rs748345321, gnomAD 0.003%). This variant has not been reported in the literature in individuals affected with IFT172-related conditions. ClinVar contains an entry for this variant (Variation ID: 1677350). Algorithms developed to predict the effect of missense changes on protein structure and function are either unavailable or do not agree on the potential impact of this missense change (SIFT: "Deleterious"; PolyPhen-2: "Probably Damaging"; Align-GVGD: "Class C0"). In summary, the available evidence is currently insufficient to determine the role of this variant in disease. Therefore, it has been classified as a Variant of Uncertain Significance.

AiLife Diagnostics
Classification: Uncertain significance. Last evaluated: 2021-07-13. Review status: criteria provided, single submitter. Criteria: ACMG Guidelines, 2015. Collection method: clinical testing. Allele origin: germline. Affected: yes. Observed: 1 variant allele.